The following is an entry in ClinVar:

ClinVar aggregate classification (germline): Uncertain significance (1 of 4 stars; one submission).

Conditions:
Developmental and epileptic encephalopathy 94 (DEE94). Also called: Epileptic encephalopathy, childhood-onset; CHD2-Related Neurodevelopmental Disorders. Identifiers: Orphanet 1942, Orphanet 2382, MedGen C3809278, MONDO:0014150, OMIM 615369.

Allele frequency attached by ClinVar (database versions not stated): TOPMed below 0.00001.

Submission:

Labcorp Genetics (formerly Invitae), Labcorp
Classification: Uncertain significance for Developmental and epileptic encephalopathy 94. Last evaluated: 2016-09-04. Review status: criteria provided, single submitter. Criteria: Invitae Variant Classification Sherloc (09022015). Collection method: clinical testing. Allele origin: germline.
Comment: Algorithms developed to predict the effect of missense changes on protein structure and function output the following: (SIFT: "Deleterious"; PolyPhen-2: "Benign"; Align-GVGD: "Class C0"). The proline amino acid residue is found in multiple mammalian species, suggesting that this missense change does not adversely affect protein function. These predictions have not been confirmed by published functional studies. In summary, this variant is a novel missense change that is not predicted to affect protein function. There is no indication that it causes disease, but the available evidence is currently insufficient to prove that conclusively. Therefore, it has been classified as a Variant of Uncertain Significance. This variant is not present in population databases (ExAC no frequency) and has not been reported in the literature in individuals with a CHD2-related disease. This sequence change replaces leucine with proline at codon 15 of the CHD2 protein (p.Leu15Pro). The leucine residue is moderately conserved and there is a moderate physicochemical difference between leucine and proline.

NM_001271.4(CHD2):c.44T>C (p.Leu15Pro)

Gene: CHD2 (chromodomain helicase DNA binding protein 2; plus strand). Cytogenetic location: 15q26.1.
Variant type: single nucleotide variant.
Coding change: c.44T>C on transcript NM_001271.4 (MANE Select); coding-DNA position 44, T replaced by C.
Protein change: p.Leu15Pro; replaces leucine 15 with proline.
Molecular consequence: missense variant.
Genome position (GRCh38, 1-based): chr15:92,901,281, T>C. VCF-style: chr15-92901281-T-C. GRCh37 (hg19) VCF-style: chr15-93444511-T-C.
Other names: c.44T>C, p.Leu15Pro (NM_001042572.3); short protein forms L15P.
Identifiers: ClinVar variation 411859 (VCV000411859.9), dbSNP rs1060503522, ClinGen allele CA16614836.